The following is an entry in ClinVar:

ClinVar aggregate classification (germline): Uncertain significance (1 of 4 stars; one submission).

Conditions:
T-B+ severe combined immunodeficiency due to JAK3 deficiency. Also called: SCID, T CELL-NEGATIVE, B CELL-POSITIVE, NK CELL-NEGATIVE; SCID, autosomal recessive, T-negative/B-positive type. Identifiers: Orphanet 35078, MedGen C1833275, MONDO:0010938, OMIM 600802.

Submission:

Labcorp Genetics (formerly Invitae), Labcorp
Classification: Uncertain significance for T-B+ severe combined immunodeficiency due to JAK3 deficiency. Last evaluated: 2022-05-24. Review status: criteria provided, single submitter. Criteria: Invitae Variant Classification Sherloc (09022015). Collection method: clinical testing. Allele origin: germline.
Comment: This sequence change replaces glutamine, which is neutral and polar, with glutamic acid, which is acidic and polar, at codon 39 of the JAK3 protein (p.Gln39Glu). In summary, the available evidence is currently insufficient to determine the role of this variant in disease. Therefore, it has been classified as a Variant of Uncertain Significance. Advanced modeling of protein sequence and biophysical properties (such as structural, functional, and spatial information, amino acid conservation, physicochemical variation, residue mobility, and thermodynamic stability) performed at Invitae indicates that this missense variant is not expected to disrupt JAK3 protein function. This variant has not been reported in the literature in individuals affected with JAK3-related conditions. This variant is not present in population databases (gnomAD no frequency).

NM_000215.4(JAK3):c.115C>G (p.Gln39Glu)

Gene: JAK3 (Janus kinase 3; minus strand). Cytogenetic location: 19p13.11.
Variant type: single nucleotide variant.
Coding change: c.115C>G on transcript NM_000215.4 (MANE Select); coding-DNA position 115, C replaced by G.
Protein change: p.Gln39Glu; replaces glutamine 39 with glutamic acid.
Molecular consequence: missense variant.
Genome position (GRCh38, 1-based): chr19:17,844,303, G>C on the plus strand (C>G on the coding strand, the complement: JAK3 is on the minus strand). VCF-style: chr19-17844303-G-C. GRCh37 (hg19) VCF-style: chr19-17955112-G-C.
Other names: short protein forms Q39E.
Identifiers: ClinVar variation 1998303 (VCV001998303.4), dbSNP rs2514582265, ClinGen allele CA404775217.